The following is an entry in ClinVar:

NM_014844.5(TECPR2):c.3565C>T (p.Gln1189Ter)

Gene: TECPR2 (tectonin beta-propeller repeat containing 2; plus strand). Cytogenetic location: 14q32.31.
Variant type: single nucleotide variant.
Coding change: c.3565C>T on transcript NM_014844.5 (MANE Select); coding-DNA position 3565, C replaced by T.
Protein change: p.Gln1189Ter; replaces glutamine 1189 with a stop codon.
Molecular consequence: nonsense.
Genome position (GRCh38, 1-based): chr14:102,452,552, C>T. VCF-style: chr14-102452552-C-T. GRCh37 (hg19) VCF-style: chr14-102918889-C-T.
Other names: c.3565C>T, p.Gln1189Ter (NM_001172631.3); c.3565C>T (NM_014844.4); short protein forms Q1189*.
Identifiers: ClinVar variation 2113383 (VCV002113383.5), dbSNP rs2504459163, ClinGen allele CA391068941.

ClinVar aggregate classification (germline): Pathogenic/Likely pathogenic. Review status: criteria provided, multiple submitters, no conflicts (2 of 4 stars). 2 submissions from 2 submitters: Pathogenic (1); Likely pathogenic (1). Last evaluated 2024-06-18.

Conditions:
Hereditary spastic paraplegia 49 (HSAN9). Also called: TECPR2-Related Hereditary Sensory and Autonomic Neuropathy with Intellectual Disability; NEUROPATHY, HEREDITARY SENSORY AND AUTONOMIC, TYPE IX, WITH DEVELOPMENTAL DELAY; Spastic paraplegia 49, autosomal recessive. Identifiers: Orphanet 320385, MedGen C5190860, MONDO:0014016, OMIM 615031.

Submissions (2):

Natera, Inc.
Classification: Likely pathogenic for Autosomal recessive spastic paraplegia type 49. Last evaluated: 2024-06-18. Review status: criteria provided, single submitter. Criteria: Natera Variant Classification Schema (03/2026). Collection method: clinical testing. Allele origin: germline.
Comment: The c.3565C>T variant in TECPR2 is a nonsense variant predicted to introduce a stop codon at amino acid 1189. This variant is expected to result in nonsense mediated decay, truncation, or a dysfunctional protein product. This variant is rare in the general population with a frequency below the threshold expected for the associated phenotype(s). Given the available evidence, this variant is classified as Likely Pathogenic.

Labcorp Genetics (formerly Invitae), Labcorp
Classification: Pathogenic for Hereditary spastic paraplegia 49. Last evaluated: 2022-03-18. Review status: criteria provided, single submitter. Criteria: Invitae Variant Classification Sherloc (09022015). Collection method: clinical testing. Allele origin: germline.
Comment: For these reasons, this variant has been classified as Pathogenic. This variant has not been reported in the literature in individuals affected with TECPR2-related conditions. This variant is not present in population databases (gnomAD no frequency). This sequence change creates a premature translational stop signal (p.Gln1189*) in the TECPR2 gene. It is expected to result in an absent or disrupted protein product. Loss-of-function variants in TECPR2 are known to be pathogenic (PMID: 23176824, 25590979).

Literature cited by the submitters: PubMed 23176824 (cited by Labcorp Genetics (formerly Invitae), Labcorp); PubMed 25590979 (cited by Labcorp Genetics (formerly Invitae), Labcorp).